The following is an entry in ClinVar:

ClinVar aggregate classification (germline): Likely benign (1 of 4 stars; one submission).

Submission:

CeGaT Center for Human Genetics Tuebingen
Classification: Likely benign. Last evaluated: 2025-11-01. Review status: criteria provided, single submitter. Criteria: CeGaT Center For Human Genetics Tuebingen Variant Classification Criteria Version 2. Collection method: clinical testing. Allele origin: germline. Affected: yes. Observed: 1 variant allele.
Comment: MMP2: BP4, BP7

NM_004530.6(MMP2):c.24C>A (p.Gly8=)

Gene: MMP2 (matrix metallopeptidase 2; plus strand). Cytogenetic location: 16q12.2.
Variant type: single nucleotide variant.
Coding change: c.24C>A on transcript NM_004530.6 (MANE Select); coding-DNA position 24, C replaced by A.
Protein change: p.Gly8=; no amino-acid change (glycine 8 retained).
Molecular consequence: synonymous variant. On other transcripts: intron variant (1).
Genome position (GRCh38, 1-based): chr16:55,479,503, C>A. VCF-style: chr16-55479503-C-A. GRCh37 (hg19) VCF-style: chr16-55513415-C-A.
Other names: c.-76+538C>A (NM_001302508.1).
Identifiers: ClinVar variation 4535335 (VCV004535335.6).
Genomic context (GRCh38, chr16:55,479,503, plus strand): 5'-GACCCCCGGGCGACGCGCGGGGCCAGGGAGCGCTACGATGGAGGCGCTAATGGCCCGGGG[C>A]GCGCTCACGGGTCCCCTGAGGGCGCTCTGTCTCCTGGGCTGCCTGCTGAGCCACGCCGCC-3'
Protein context (NP_004521.1, residues 1-18): MEALMAR[Gly8=]ALTGPLRALC